The following is an entry in ClinVar:

NM_004408.4(DNM1):c.1565G>A (p.Arg522His)

Gene: DNM1 (dynamin 1; plus strand). Cytogenetic location: 9q34.11.
Variant type: single nucleotide variant.
Coding change: c.1565G>A on transcript NM_004408.4 (MANE Select); coding-DNA position 1565, G replaced by A.
Protein change: p.Arg522His; replaces arginine 522 with histidine.
Molecular consequence: missense variant.
Genome position (GRCh38, 1-based): chr9:128,242,239, G>A. VCF-style: chr9-128242239-G-A. GRCh37 (hg19) VCF-style: chr9-131004518-G-A.
Other names: c.1565G>A, p.Arg522His (NM_001005336.3, NM_001288737.2, NM_001288738.2 and 2 more transcripts); short protein forms R522H.
Identifiers: ClinVar variation 4798567 (VCV004798567.2).

ClinVar aggregate classification (germline): Uncertain significance. Review status: criteria provided, single submitter (1 of 4 stars). 2 submissions from 2 submitters: Uncertain significance (1). 1 of the submissions does not count toward it. Last evaluated 2026-01-01.

Conditions:
Developmental and epileptic encephalopathy, 31A. Also called: Epileptic encephalopathy, early infantile, 31; Developmental and epileptic encephalopathy, 31. Identifiers: Orphanet 2382, MedGen C4225357, MONDO:0014598, OMIM 616346.

Submissions (2):

Labcorp Genetics (formerly Invitae), Labcorp
Classification: Uncertain significance for Developmental and epileptic encephalopathy, 31A. Last evaluated: 2026-01-01. Review status: criteria provided, single submitter. Criteria: Invitae Variant Classification Sherloc (09022015). Collection method: clinical testing. Allele origin: germline.
Comment: This sequence change replaces arginine, which is basic and polar, with histidine, which is basic and polar, at codon 522 of the DNM1 protein (p.Arg522His). This variant is not present in population databases (gnomAD no frequency). This variant has not been reported in the literature in individuals affected with DNM1-related conditions. Invitae Evidence Modeling of protein sequence and biophysical properties (such as structural, functional, and spatial information, amino acid conservation, physicochemical variation, residue mobility, and thermodynamic stability) indicates that this missense variant is not expected to disrupt DNM1 protein function with a negative predictive value of 80%. In summary, the available evidence is currently insufficient to determine the role of this variant in disease. Therefore, it has been classified as a Variant of Uncertain Significance.

Hong-Tao Li Lab, Institute of Brain Science and Brain-inspired Research, Shandong First Medical University & Shandong Academy of Medical Sciences China
Classification: Uncertain significance for Developmental and epileptic encephalopathy, 31A. Review status: no assertion criteria provided. Collection method: research. Allele origin: germline. Inheritance: Autosomal dominant inheritance. Affected: yes. Observed: 1 variant allele, 1 heterozygote. Not counted in ClinVar's aggregate classification.
Comment: Observed in affected individuals from a Pakistani neurodevelopmental-disorder research cohort of 263 individuals. Classification assigned using the ACMG/AMP framework.